The following is an entry in ClinVar:

ClinVar aggregate classification (germline): Uncertain significance (1 of 4 stars; one submission).

gnomAD v4.1: 1 of 1,614,006 alleles (0.000062%); highest among the groups gnomAD compares: Non-Finnish European, 0.000085%; no homozygotes.

Submission:

Labcorp Genetics (formerly Invitae), Labcorp
Classification: Uncertain significance. Last evaluated: 2025-08-04. Review status: criteria provided, single submitter. Criteria: Invitae Variant Classification Sherloc (09022015). Collection method: clinical testing. Allele origin: germline.
Comment: This sequence change replaces histidine, which is basic and polar, with aspartic acid, which is acidic and polar, at codon 638 of the NTRK2 protein (p.His638Asp). This variant is present in population databases (rs552897673, gnomAD 0.0009%). This variant has not been reported in the literature in individuals affected with NTRK2-related conditions. Invitae Evidence Modeling of protein sequence and biophysical properties (such as structural, functional, and spatial information, amino acid conservation, physicochemical variation, residue mobility, and thermodynamic stability) indicates that this missense variant is not expected to disrupt NTRK2 protein function with a negative predictive value of 80%. In summary, the available evidence is currently insufficient to determine the role of this variant in disease. Therefore, it has been classified as a Variant of Uncertain Significance.

NM_006180.6(NTRK2):c.1912C>G (p.His638Asp)

Gene: NTRK2 (neurotrophic receptor tyrosine kinase 2; plus strand). Cytogenetic location: 9q21.33.
Variant type: single nucleotide variant.
Coding change: c.1912C>G on transcript NM_006180.6 (MANE Select); coding-DNA position 1912, C replaced by G.
Protein change: p.His638Asp; replaces histidine 638 with aspartic acid.
Molecular consequence: missense variant.
Genome position (GRCh38, 1-based): chr9:84,948,609, C>G. VCF-style: chr9-84948609-C-G. GRCh37 (hg19) VCF-style: chr9-87563524-C-G.
Other names: c.1864C>G, p.His622Asp (NM_001018064.3, NM_001369532.1, NM_001369533.1); c.1828C>G, p.His610Asp (NM_001369534.1); c.1396C>G, p.His466Asp (NM_001369535.1); c.1444C>G, p.His482Asp (NM_001369536.1); short protein forms H466D, H482D, H610D, H622D, H638D.
Identifiers: ClinVar variation 4799149 (VCV004799149.1).